The following is an entry in ClinVar:

ClinVar aggregate classification (germline): Uncertain significance (1 of 4 stars; one submission).

Submission:

Labcorp Genetics (formerly Invitae), Labcorp
Classification: Uncertain significance. Last evaluated: 2022-01-16. Review status: criteria provided, single submitter. Criteria: Invitae Variant Classification Sherloc (09022015). Collection method: clinical testing. Allele origin: germline.
Comment: In summary, the available evidence is currently insufficient to determine the role of this variant in disease. Therefore, it has been classified as a Variant of Uncertain Significance. Advanced modeling of protein sequence and biophysical properties (such as structural, functional, and spatial information, amino acid conservation, physicochemical variation, residue mobility, and thermodynamic stability) performed at Invitae indicates that this missense variant is not expected to disrupt DCHS1 protein function. This variant has not been reported in the literature in individuals affected with DCHS1-related conditions. This variant is not present in population databases (gnomAD no frequency). This sequence change replaces threonine, which is neutral and polar, with isoleucine, which is neutral and non-polar, at codon 349 of the DCHS1 protein (p.Thr349Ile).

NM_003737.4(DCHS1):c.1046C>T (p.Thr349Ile)

Gene: DCHS1 (dachsous cadherin-related 1; minus strand). Cytogenetic location: 11p15.4.
Variant type: single nucleotide variant.
Coding change: c.1046C>T on transcript NM_003737.4 (MANE Select); coding-DNA position 1046, C replaced by T.
Protein change: p.Thr349Ile; replaces threonine 349 with isoleucine.
Molecular consequence: missense variant.
Genome position (GRCh38, 1-based): chr11:6,640,568, G>A on the plus strand (C>T on the coding strand, the complement: DCHS1 is on the minus strand). VCF-style: chr11-6640568-G-A. GRCh37 (hg19) VCF-style: chr11-6661799-G-A.
Other names: short protein forms T349I.
Identifiers: ClinVar variation 2084858 (VCV002084858.4), dbSNP rs2493841717, ClinGen allele CA379437332.